The following is an entry in ClinVar:

ClinVar aggregate classification (germline): Uncertain significance. Review status: criteria provided, multiple submitters, no conflicts (2 of 4 stars). 3 submissions from 3 submitters: Uncertain significance (3). Last evaluated 2024-06-02.

Conditions:
Inborn genetic diseases. Identifiers: MedGen C0950123, MeSH D030342.
Retinal dystrophy. Also called: Inherited retinal dystrophy. Identifiers: Orphanet 71862, MedGen C0854723, MeSH D058499, MONDO:0019118, HP:0000556.

Allele frequency attached by ClinVar (database versions not stated): gnomAD 0.00001; gnomAD exomes 0.00002 and 0.00004; ExAC 0.00004; TOPMed 0.00004; 1000 Genomes Project 30x 0.00016; 1000 Genomes Project 0.00020.
gnomAD v4.1: 31 of 1,613,930 alleles (0.0019%); highest among the groups gnomAD compares: East Asian, 0.06%; no homozygotes.

Submissions (3):

Labcorp Genetics (formerly Invitae), Labcorp
Classification: Uncertain significance. Last evaluated: 2024-06-02. Review status: criteria provided, single submitter. Criteria: Invitae Variant Classification Sherloc (09022015). Collection method: clinical testing. Allele origin: germline.
Comment: This sequence change replaces valine, which is neutral and non-polar, with alanine, which is neutral and non-polar, at codon 1052 of the RP1 protein (p.Val1052Ala). This variant is present in population databases (rs546212290, gnomAD 0.03%). This missense change has been observed in individual(s) with retinitis pigmentosa (Invitae). ClinVar contains an entry for this variant (Variation ID: 1507031). Algorithms developed to predict the effect of missense changes on protein structure and function output the following: SIFT: "Not Available"; PolyPhen-2: "Benign"; Align-GVGD: "Not Available". The alanine amino acid residue is found in multiple mammalian species, which suggests that this missense change does not adversely affect protein function. In summary, the available evidence is currently insufficient to determine the role of this variant in disease. Therefore, it has been classified as a Variant of Uncertain Significance.

Dept Of Ophthalmology, Nagoya University
Classification: Uncertain significance for Retinal dystrophy. Last evaluated: 2023-10-01. Review status: criteria provided, single submitter. Criteria: Submitter's publication. Collection method: research. Allele origin: germline. Affected: yes.

Ambry Genetics
Classification: Uncertain significance for Inborn genetic diseases. Last evaluated: 2023-07-25. Review status: criteria provided, single submitter. Criteria: Ambry Variant Classification Scheme 2023. Collection method: clinical testing. Allele origin: germline.

NM_006269.2(RP1):c.3155T>C (p.Val1052Ala)

Gene: RP1 (RP1 axonemal microtubule associated; plus strand). Cytogenetic location: 8q12.1.
Variant type: single nucleotide variant.
Coding change: c.3155T>C on transcript NM_006269.2 (MANE Select); coding-DNA position 3155, T replaced by C.
Protein change: p.Val1052Ala; replaces valine 1052 with alanine.
Molecular consequence: missense variant. On other transcripts: intron variant (1).
Genome position (GRCh38, 1-based): chr8:54,627,037, T>C. VCF-style: chr8-54627037-T-C. GRCh37 (hg19) VCF-style: chr8-55539597-T-C.
Other names: c.3155T>C (NM_006269.1); c.787+4749T>C (NM_001375654.1); short protein forms V1052A.
Identifiers: ClinVar variation 1507031 (VCV001507031.10), dbSNP rs546212290, ClinGen allele CA4751650.